The following is an entry in ClinVar:

NM_014946.4(SPAST):c.1214del (p.Asn405fs)

Gene: SPAST (spastin; plus strand). Cytogenetic location: 2p22.3.
Variant type: Deletion.
Coding change: c.1214del on transcript NM_014946.4 (MANE Select); coding-DNA position 1214, one base deleted (A; older notation c.1214delA).
Protein change: p.Asn405fs; shifts the reading frame from asparagine 405.
Molecular consequence: frameshift variant.
Genome position (GRCh38, 1-based): chr2:32,128,448, A deleted; the last of 2 consecutive A bases (chr2:32,128,447-32,128,448); deleting either gives the same sequence. VCF-style (leftmost placement, unchanged base first): chr2-32128446-TA-T. GRCh37 (hg19) VCF-style: chr2-32353515-TA-T.
Other names: c.1214delA (NM_014946.4); c.1211del, p.Asn404fs (NM_001363823.2); c.1115del, p.Asn372fs (NM_001363875.2); c.1118del, p.Asn373fs (NM_001377959.1, NM_199436.2); short protein forms N372fs, N373fs, N404fs, N405fs.
Identifiers: ClinVar variation 3255067 (VCV003255067.2), dbSNP rs2465864865.

ClinVar aggregate classification (germline): Pathogenic. Review status: criteria provided, multiple submitters, no conflicts (2 of 4 stars). 2 submissions from 2 submitters: Pathogenic (2). Last evaluated 2023-12-21.

Conditions:
Hereditary spastic paraplegia 4. Also called: Spastic Paraplegia 4; Spastic paraplegia 4, autosomal dominant; Familial spastic paraplegia autosomal dominant 2. Identifiers: Orphanet 100985, MedGen C1866855, MONDO:0008438, OMIM 182601.

Submissions (2):

Victorian Clinical Genetics Services, Murdoch Childrens Research Institute
Classification: Pathogenic for Hereditary spastic paraplegia 4. Last evaluated: 2023-12-21. Review status: criteria provided, single submitter. Criteria: ACMG Guidelines, 2015. Collection method: clinical testing. Allele origin: germline. Inheritance: Autosomal dominant inheritance. Affected: yes.
Comment: Based on the classification scheme VCGS_Germline_v1.3.4, this variant is classified as Pathogenic. Following criteria are met: 0103 - Dominant negative and loss of function are known mechanisms of disease for this gene and are associated with spastic paraplegia 4 (MIM#182601). Multiple loss of function variants have been reported, while a dominant negative mechanism has been stipulated for a small number of missense variants (ClinVar; PMID: 30006150) (I) 0107 - This gene is associated with autosomal dominant disease. (I) 0112 - The condition associated with this gene has incomplete penetrance, but this is age-dependent and only a small proportion of individuals remain asymptomatic (PMID: 30476002). (I) 0115 - Variants in this gene are known to have variable expressivity, with variable age of onset and disease severity (PMID: 30476002). (I) 0201 - Variant is predicted to cause nonsense-mediated decay (NMD) and loss of protein (premature termination codon is located at least 54 nucleotides upstream of the final exon-exon junction). (SP) 0251 - This variant is heterozygous. (I) 0301 - Variant is absent from gnomAD (both v2 and v3). (SP) 0701 - NMD-predicted variants comparable to the one identified in this case have very strong previous evidence for pathogenicity (DECIPHER, ClinVar). (SP) 0807 - This variant has no previous evidence of pathogenicity. (I) 0905 - No published segregation evidence has been identified for this variant. (I) 1007 - No published functional evidence has been identified for this variant. (I) 1208 - Inheritance information for this variant is not currently available in this individual. (I) Legend: (SP) - Supporting pathogenic, (I) - Information, (SB) - Supporting benign

Genetics and Molecular Pathology, SA Pathology
Classification: Pathogenic for Hereditary spastic paraplegia 4. Last evaluated: 2023-12-15. Review status: criteria provided, single submitter. Criteria: ACMG Guidelines, 2015. Collection method: clinical testing. Allele origin: germline. Inheritance: Autosomal dominant inheritance. Affected: yes.

Literature cited by the submitters: PubMed 30006150 (cited by Victorian Clinical Genetics Services, Murdoch Childrens Research Institute); PubMed 30476002 (cited by Victorian Clinical Genetics Services, Murdoch Childrens Research Institute).